The following is an entry in ClinVar:

NM_001292063.2(OTOG):c.1644+36G>A

Gene: OTOG (otogelin; plus strand). Cytogenetic location: 11p15.1.
Variant type: single nucleotide variant.
Coding change: c.1644+36G>A on transcript NM_001292063.2 (MANE Select); 36 bases into the intron after coding-DNA position 1644, G replaced by A.
Molecular consequence: intron variant.
Genome position (GRCh38, 1-based): chr11:17,561,843, G>A. VCF-style: chr11-17561843-G-A. GRCh37 (hg19) VCF-style: chr11-17583390-G-A.
Other names: c.1680+36G>A (NM_001277269.2).
Identifiers: ClinVar variation 1710869 (VCV001710869.2), dbSNP rs575233799, ClinGen allele CA5905515.
Genomic context (GRCh38, chr11:17,561,843, plus strand): 5'-ATTGCAGAATGCCCCATGTGGCCTGGTAAGAGCTGGGGATCCCCAGGCCCGATCCACCCA[G>A]CTACTCCTGCCTACTGCCCCCAAGAGAGACTGGGACTTAGGACAGGGCTCAGGTCTTCCC-3'

ClinVar aggregate classification (germline): Likely benign (1 of 4 stars; one submission).

Allele frequency attached by ClinVar (database versions not stated): TOPMed 0.00007; gnomAD 0.00034; gnomAD exomes 0.00058; 1000 Genomes Project 0.00280; 1000 Genomes Project 30x 0.00297; ExAC 0.00425.
gnomAD v4.1: 867 of 1,548,498 alleles (0.056%); highest among the groups gnomAD compares: South Asian, 0.98%; 13 homozygotes.

Submission:

GeneDx
Classification: Likely benign. Last evaluated: 2021-11-24. Review status: criteria provided, single submitter. Criteria: GeneDx Variant Classification Process June 2021. Collection method: clinical testing. Allele origin: germline. Affected: yes.
Comment: See Variant Classification Assertion Criteria.